The following is an entry in ClinVar:

NM_031935.3(HMCN1):c.4997del (p.Ala1666fs)

Gene: HMCN1 (hemicentin 1; plus strand). Cytogenetic location: 1q31.1.
Variant type: Deletion.
Coding change: c.4997del on transcript NM_031935.3 (MANE Select); coding-DNA position 4997, one base deleted (C; older notation c.4997delC).
Protein change: p.Ala1666fs; shifts the reading frame from alanine 1666.
Molecular consequence: frameshift variant.
Genome position (GRCh38, 1-based): chr1:186,016,045, C deleted. VCF-style (leftmost placement, unchanged base first): chr1-186016044-GC-G. GRCh37 (hg19) VCF-style: chr1-185985176-GC-G.
Other names: short protein forms A1666fs.
Identifiers: ClinVar variation 2999244 (VCV002999244.3), dbSNP rs2527528142, ClinGen allele CA2740090421.

ClinVar aggregate classification (germline): Uncertain significance (1 of 4 stars; one submission).

Submission:

Labcorp Genetics (formerly Invitae), Labcorp
Classification: Uncertain significance. Last evaluated: 2023-05-01. Review status: criteria provided, single submitter. Criteria: Invitae Variant Classification Sherloc (09022015). Collection method: clinical testing. Allele origin: germline.
Comment: In summary, the available evidence is currently insufficient to determine the role of this variant in disease. Therefore, it has been classified as a Variant of Uncertain Significance. This variant has not been reported in the literature in individuals affected with HMCN1-related conditions. This variant is not present in population databases (gnomAD no frequency). This sequence change creates a premature translational stop signal (p.Ala1666Valfs*11) in the HMCN1 gene. It is expected to result in an absent or disrupted protein product. However, the current clinical and genetic evidence is not sufficient to establish whether loss-of-function variants in HMCN1 cause disease.